The following is an entry in ClinVar:

ClinVar aggregate classification (germline): Uncertain significance (1 of 4 stars; one submission).

gnomAD v4.1: 1 of 1,613,426 alleles (0.000062%); highest among the groups gnomAD compares: Non-Finnish European, 0.000085%; no homozygotes.

Submission:

GeneDx
Classification: Uncertain significance. Last evaluated: 2024-01-04. Review status: criteria provided, single submitter. Criteria: GeneDx Variant Classification Process June 2021. Collection method: clinical testing. Allele origin: germline.
Comment: Not observed at significant frequency in large population cohorts (gnomAD); In silico analysis supports that this missense variant has a deleterious effect on protein structure/function; Has not been previously published as pathogenic or benign to our knowledge; Variants in candidate genes are classified as variants of uncertain significance in accordance with ACMG guidelines (PMID: 25741868)

NM_014709.4(USP34):c.5684G>A (p.Gly1895Asp)

Gene: USP34 (ubiquitin specific peptidase 34; minus strand). Cytogenetic location: 2p15.
Variant type: single nucleotide variant.
Coding change: c.5684G>A on transcript NM_014709.4 (MANE Select); coding-DNA position 5684, G replaced by A.
Protein change: p.Gly1895Asp; replaces glycine 1895 with aspartic acid.
Molecular consequence: missense variant.
Genome position (GRCh38, 1-based): chr2:61,265,491, C>T on the plus strand (G>A on the coding strand, the complement: USP34 is on the minus strand). VCF-style: chr2-61265491-C-T. GRCh37 (hg19) VCF-style: chr2-61492626-C-T.
Other names: short protein forms G1895D.
Identifiers: ClinVar variation 4891448 (VCV004891448.1).